The following is an entry in ClinVar:

ClinVar aggregate classification (germline): Uncertain significance (1 of 4 stars; one submission).

gnomAD v4.1: 2 of 1,613,574 alleles (0.00012%); highest among the groups gnomAD compares: Non-Finnish European, 0.00017%; no homozygotes.

Submission:

Women's Health and Genetics/Laboratory Corporation of America, LabCorp
Classification: Uncertain significance. Last evaluated: 2025-02-03. Review status: criteria provided, single submitter. Criteria: LabCorp Variant Classification Summary - May 2015. Collection method: clinical testing. Allele origin: germline.
Comment: Variant summary: ZNF292 c.2974C>G (p.Gln992Glu) results in a conservative amino acid change in the encoded protein sequence. Five of five in-silico tools predict a benign effect of the variant on protein function. The variant was absent in 248082 control chromosomes. The available data on variant occurrences in the general population are insufficient to allow any conclusion about variant significance. To our knowledge, no occurrence of c.2974C>G in individuals affected with Autosomal Dominant Intellectual Developmental Disorder 64 and no experimental evidence demonstrating its impact on protein function have been reported. No submitters have cited clinical-significance assessments for this variant to ClinVar. Based on the evidence outlined above, the variant was classified as uncertain significance.

NM_015021.3(ZNF292):c.2974C>G (p.Gln992Glu)

Gene: ZNF292 (zinc finger protein 292; plus strand). Cytogenetic location: 6q14.3.
Variant type: single nucleotide variant.
Coding change: c.2974C>G on transcript NM_015021.3 (MANE Select); coding-DNA position 2974, C replaced by G.
Protein change: p.Gln992Glu; replaces glutamine 992 with glutamic acid.
Molecular consequence: missense variant.
Genome position (GRCh38, 1-based): chr6:87,256,603, C>G. VCF-style: chr6-87256603-C-G. GRCh37 (hg19) VCF-style: chr6-87966321-C-G.
Other names: c.2554C>G, p.Gln852Glu (NM_001351444.2); short protein forms Q852E, Q992E.
Identifiers: ClinVar variation 3768815 (VCV003768815.1).